The following is an entry in ClinVar:

NM_000744.7(CHRNA4):c.227T>G (p.Val76Gly)

Gene: CHRNA4 (cholinergic receptor nicotinic alpha 4 subunit; minus strand). Cytogenetic location: 20q13.33.
Variant type: single nucleotide variant.
Coding change: c.227T>G on transcript NM_000744.7 (MANE Select); coding-DNA position 227, T replaced by G.
Protein change: p.Val76Gly; replaces valine 76 with glycine.
Molecular consequence: missense variant. On other transcripts: 5 prime UTR variant (1), non-coding transcript variant (1).
Genome position (GRCh38, 1-based): chr20:63,359,549, A>C on the plus strand (T>G on the coding strand, the complement: CHRNA4 is on the minus strand). VCF-style: chr20-63359549-A-C. GRCh37 (hg19) VCF-style: chr20-61990901-A-C.
Other names: c.-320T>G (NM_001256573.2); short protein forms V76G.
Identifiers: ClinVar variation 2815640 (VCV002815640.3), dbSNP rs1285263254, ClinGen allele CA409643037.

ClinVar aggregate classification (germline): Uncertain significance (1 of 4 stars; one submission).

Conditions:
Familial sleep-related hypermotor epilepsy. Also called: Autosomal Dominant Sleep-Related Hypermotor (Hyperkinetic) Epilepsy. Identifiers: Orphanet 98784, MedGen C3696898, MONDO:0000030.

Allele frequency attached by ClinVar (database versions not stated): TOPMed 0.00001; gnomAD 0.00001; gnomAD exomes below 0.00001.
gnomAD v4.1: 3 of 1,612,452 alleles (0.00019%); highest among the groups gnomAD compares: African/African-American, 0.004%; no homozygotes.

Submission:

Labcorp Genetics (formerly Invitae), Labcorp
Classification: Uncertain significance. Last evaluated: 2024-09-12. Review status: criteria provided, single submitter. Criteria: Invitae Variant Classification Sherloc (09022015). Collection method: clinical testing. Allele origin: germline.
Comment: This sequence change replaces valine, which is neutral and non-polar, with glycine, which is neutral and non-polar, at codon 76 of the CHRNA4 protein (p.Val76Gly). This variant is not present in population databases (gnomAD no frequency). This variant has not been reported in the literature in individuals affected with CHRNA4-related conditions. An algorithm developed to predict the effect of missense changes on protein structure and function (PolyPhen-2) suggests that this variant is likely to be disruptive. In summary, the available evidence is currently insufficient to determine the role of this variant in disease. Therefore, it has been classified as a Variant of Uncertain Significance.